The following is an entry in ClinVar:

NM_017654.4(SAMD9):c.1094A>T (p.Asp365Val)

Gene: SAMD9 (sterile alpha motif domain containing 9; minus strand). Cytogenetic location: 7q21.2.
Variant type: single nucleotide variant.
Coding change: c.1094A>T on transcript NM_017654.4 (MANE Select); coding-DNA position 1094, A replaced by T.
Protein change: p.Asp365Val; replaces aspartic acid 365 with valine.
Molecular consequence: missense variant.
Genome position (GRCh38, 1-based): chr7:93,105,004, T>A on the plus strand (A>T on the coding strand, the complement: SAMD9 is on the minus strand). VCF-style: chr7-93105004-T-A. GRCh37 (hg19) VCF-style: chr7-92734317-T-A.
Other names: c.1094A>T, p.Asp365Val (NM_001193307.2); c.1094A>T (NM_017654.3); short protein forms D365V.
Identifiers: ClinVar variation 1958893 (VCV001958893.4), dbSNP rs1337628777, ClinGen allele CA368202181.

ClinVar aggregate classification (germline): Uncertain significance. Review status: criteria provided, multiple submitters, no conflicts (2 of 4 stars). 2 submissions from 2 submitters: Uncertain significance (2). Last evaluated 2025-06-09.

Conditions:
Inborn genetic diseases. Identifiers: MedGen C0950123, MeSH D030342.

Allele frequency attached by ClinVar (database versions not stated): TOPMed 0.00002; gnomAD 0.00001; gnomAD exomes 0.00001.
gnomAD v4.1: 5 of 1,613,692 alleles (0.00031%); highest among the groups gnomAD compares: African/African-American, 0.0067%; no homozygotes.

Submissions (2):

Ambry Genetics
Classification: Uncertain significance for Inborn genetic diseases. Last evaluated: 2025-06-09. Review status: criteria provided, single submitter. Criteria: Ambry Variant Classification Scheme 2023. Collection method: clinical testing. Allele origin: germline.

Labcorp Genetics (formerly Invitae), Labcorp
Classification: Uncertain significance. Last evaluated: 2022-03-30. Review status: criteria provided, single submitter. Criteria: Invitae Variant Classification Sherloc (09022015). Collection method: clinical testing. Allele origin: germline.
Comment: This sequence change replaces aspartic acid, which is acidic and polar, with valine, which is neutral and non-polar, at codon 365 of the SAMD9 protein (p.Asp365Val). This variant is present in population databases (no rsID available, gnomAD 0.01%). This variant has not been reported in the literature in individuals affected with SAMD9-related conditions. Algorithms developed to predict the effect of missense changes on protein structure and function (SIFT, PolyPhen-2, Align-GVGD) all suggest that this variant is likely to be tolerated. In summary, the available evidence is currently insufficient to determine the role of this variant in disease. Therefore, it has been classified as a Variant of Uncertain Significance.